The following is an entry in ClinVar:

ClinVar aggregate classification (germline): Uncertain significance (1 of 4 stars; one submission).

Submission:

Labcorp Genetics (formerly Invitae), Labcorp
Classification: Uncertain significance. Last evaluated: 2022-04-08. Review status: criteria provided, single submitter. Criteria: Invitae Variant Classification Sherloc (09022015). Collection method: clinical testing. Allele origin: germline.
Comment: In summary, the available evidence is currently insufficient to determine the role of this variant in disease. Therefore, it has been classified as a Variant of Uncertain Significance. Algorithms developed to predict the effect of missense changes on protein structure and function are either unavailable or do not agree on the potential impact of this missense change (SIFT: "Deleterious"; PolyPhen-2: "Probably Damaging"; Align-GVGD: "Class C0"). This variant has not been reported in the literature in individuals affected with TCF20-related conditions. This variant is not present in population databases (gnomAD no frequency). This sequence change replaces proline, which is neutral and non-polar, with arginine, which is basic and polar, at codon 111 of the TCF20 protein (p.Pro111Arg).

NM_001378418.1(TCF20):c.332C>G (p.Pro111Arg)

Gene: TCF20 (transcription factor 20; minus strand). Cytogenetic location: 22q13.2.
Variant type: single nucleotide variant.
Coding change: c.332C>G on transcript NM_001378418.1 (MANE Select); coding-DNA position 332, C replaced by G.
Protein change: p.Pro111Arg; replaces proline 111 with arginine.
Molecular consequence: missense variant.
Genome position (GRCh38, 1-based): chr22:42,214,974, G>C on the plus strand (C>G on the coding strand, the complement: TCF20 is on the minus strand). VCF-style: chr22-42214974-G-C. GRCh37 (hg19) VCF-style: chr22-42610980-G-C.
Other names: c.332C>G, p.Pro111Arg (NM_005650.4, NM_181492.3); short protein forms P111R.
Identifiers: ClinVar variation 2122872 (VCV002122872.4), dbSNP rs2518246650, ClinGen allele CA411793236.